The following is an entry in ClinVar:

ClinVar aggregate classification (germline): Benign/Likely benign. Review status: criteria provided, multiple submitters, no conflicts (2 of 4 stars). 6 submissions from 6 submitters: Benign (2); Likely benign (4). Last evaluated 2025-12-31.

Conditions:
RASopathy. Also called: rasopathies; Noonan spectrum disorder. Identifiers: Orphanet 536391, MedGen C5555857, MONDO:0021060.

Submissions (6):

Labcorp Genetics (formerly Invitae), Labcorp
Classification: Benign for RASopathy. Last evaluated: 2025-12-31. Review status: criteria provided, single submitter. Criteria: Invitae Variant Classification Sherloc (09022015). Collection method: clinical testing. Allele origin: germline.

Blueprint Genetics
Classification: Likely benign. Last evaluated: 2024-11-19. Review status: criteria provided, single submitter. Criteria: ACMG Guidelines, 2015. Collection method: clinical testing. Allele origin: germline.

Women's Health and Genetics/Laboratory Corporation of America, LabCorp
Classification: Benign. Last evaluated: 2024-11-11. Review status: criteria provided, single submitter. Criteria: LabCorp Variant Classification Summary - May 2015. Collection method: clinical testing. Allele origin: germline.
Comment: Variant summary: BRAF c.1993-11dupT alters a non-conserved nucleotide located at a position not widely known to affect splicing. Consensus agreement among computation tools predict no significant impact on normal splicing. However, these predictions have yet to be confirmed by functional studies. The variant allele was found at a frequency of 0.00012 in 1605482 control chromosomes, predominantly at a frequency of 0.00015 within the Non-Finnish European subpopulation in the gnomAD database. The observed variant frequency within Non-Finnish European control individuals in the gnomAD database is approximately 32 fold of the estimated maximal expected allele frequency for a pathogenic variant in BRAF causing Cardiofaciocutaneous Syndrome phenotype (4.7e-06). To our knowledge, no occurrence of c.1993-11dupT in individuals affected with Cardiofaciocutaneous Syndrome and no experimental evidence demonstrating its impact on protein function have been reported. ClinVar contains an entry for this variant (Variation ID: 259289). Based on the evidence outlined above, the variant was classified as benign.

GeneDx
Classification: Likely benign. Last evaluated: 2020-12-03. Review status: criteria provided, single submitter. Criteria: GeneDx Variant Classification Process June 2021. Collection method: clinical testing. Allele origin: germline. Affected: yes.

Laboratory for Molecular Medicine, Mass General Brigham Personalized Medicine
Classification: Likely benign. Last evaluated: 2017-02-22. Review status: criteria provided, single submitter. Criteria: LMM Criteria. Collection method: clinical testing. Allele origin: germline. Observed: 1 variant allele.
Comment: c.1993-11_1993-10insT in intron 16 of BRAF: This variant is not expected to have clinical significance because an insertion of a T nucleotide at this position d oes not diverge from the splice consensus sequence and is therefore unlikely to impact splicing. It has been identified in 0.04% (26/62482) of European chromoso mes by the Exome Aggregation Consortium (ExAC; d bSNP rs765734118).

PreventionGenetics, part of Exact Sciences
Classification: Likely benign. Review status: criteria provided, single submitter. Criteria: ACMG Guidelines, 2015. Collection method: clinical testing. Allele origin: germline.

NM_004333.6(BRAF):c.1993-11dup

Gene: BRAF (B-Raf proto-oncogene, serine/threonine kinase; minus strand). Cytogenetic location: 7q34.
Variant type: Duplication.
Coding change: c.1993-11dup on transcript NM_004333.6 (MANE Select); 11 bases into the intron before coding-DNA position 1993, one base duplicated (T; older notation c.1993-11dupT).
Molecular consequence: intron variant.
Genome position (GRCh38, 1-based): chr7:140,739,957, A duplicated on the plus strand (T on the coding strand, the reverse complement: BRAF is on the minus strand); the first of 8 consecutive A bases (chr7:140,739,957-140,739,964); duplicating any one gives the same sequence. VCF-style (leftmost placement, unchanged base first): chr7-140739956-G-GA. GRCh37 (hg19) VCF-style: chr7-140439756-G-GA.
Other names: c.1993-11dup (NM_001378474.1, NM_001378468.1, NM_001354609.2); c.1891-11dup (NM_001378470.1); c.1729-11dup (NM_001378475.1); c.1882-11dup (NM_001378471.1); c.2113-11dup (NM_001374258.1, NM_001374244.1); c.2002-11dup (NM_001378467.1); c.1837-11dup (NM_001378472.1, NM_001378473.1); c.1927-11dup (NM_001378469.1); and 1 more.
Identifiers: ClinVar variation 259289 (VCV000259289.15), dbSNP rs759069424, ClinGen allele CA4516605.